The following is an entry in ClinVar:

ClinVar aggregate classification (germline): Uncertain significance (1 of 4 stars; one submission).

gnomAD v4.1: 1 of 1,461,228 alleles (0.000068%); highest among the groups gnomAD compares: Non-Finnish European, 0.00009%; no homozygotes.

Submission:

Labcorp Genetics (formerly Invitae), Labcorp
Classification: Uncertain significance. Last evaluated: 2022-04-16. Review status: criteria provided, single submitter. Criteria: Invitae Variant Classification Sherloc (09022015). Collection method: clinical testing. Allele origin: germline.
Comment: In summary, the available evidence is currently insufficient to determine the role of this variant in disease. Therefore, it has been classified as a Variant of Uncertain Significance. Algorithms developed to predict the effect of missense changes on protein structure and function (SIFT, PolyPhen-2, Align-GVGD) all suggest that this variant is likely to be disruptive. This variant has not been reported in the literature in individuals affected with ARHGEF18-related conditions. This variant is not present in population databases (gnomAD no frequency). This sequence change replaces arginine, which is basic and polar, with cysteine, which is neutral and slightly polar, at codon 925 of the ARHGEF18 protein (p.Arg925Cys).

NM_001367823.1(ARHGEF18):c.3337C>T (p.Arg1113Cys)

Gene: ARHGEF18 (Rho/Rac guanine nucleotide exchange factor 18; plus strand). Cytogenetic location: 19p13.2.
Variant type: single nucleotide variant.
Coding change: c.3337C>T on transcript NM_001367823.1 (MANE Select); coding-DNA position 3337, C replaced by T.
Protein change: p.Arg1113Cys; replaces arginine 1113 with cysteine.
Molecular consequence: missense variant.
Genome position (GRCh38, 1-based): chr19:7,467,541, C>T. VCF-style: chr19-7467541-C-T. GRCh37 (hg19) VCF-style: chr19-7532427-C-T.
Other names: c.2611C>T, p.Arg871Cys (NM_001130955.2); c.2299C>T, p.Arg767Cys (NM_001367824.1, NM_015318.4); short protein forms R767C, R871C, R1113C.
Identifiers: ClinVar variation 2126673 (VCV002126673.4), dbSNP rs1218494167, ClinGen allele CA403088978.